The following is an entry in ClinVar:

ClinVar aggregate classification (germline): Uncertain significance (1 of 4 stars; one submission).

gnomAD v4.1: 1 of 1,613,908 alleles (0.000062%); highest among the groups gnomAD compares: African/African-American, 0.0013%; no homozygotes.

Submission:

Labcorp Genetics (formerly Invitae), Labcorp
Classification: Uncertain significance. Last evaluated: 2024-05-20. Review status: criteria provided, single submitter. Criteria: Invitae Variant Classification Sherloc (09022015). Collection method: clinical testing. Allele origin: germline.
Comment: This sequence change replaces serine, which is neutral and polar, with cysteine, which is neutral and slightly polar, at codon 534 of the DNM1L protein (p.Ser534Cys). This variant is not present in population databases (gnomAD no frequency). This variant has not been reported in the literature in individuals affected with DNM1L-related conditions. An algorithm developed to predict the effect of missense changes on protein structure and function (PolyPhen-2) suggests that this variant is likely to be tolerated. In summary, the available evidence is currently insufficient to determine the role of this variant in disease. Therefore, it has been classified as a Variant of Uncertain Significance.

NM_012062.5(DNM1L):c.1601C>G (p.Ser534Cys)

Gene: DNM1L (dynamin 1 like; plus strand). Cytogenetic location: 12p11.21.
Variant type: single nucleotide variant.
Coding change: c.1601C>G on transcript NM_012062.5 (MANE Select); coding-DNA position 1601, C replaced by G.
Protein change: p.Ser534Cys; replaces serine 534 with cysteine.
Molecular consequence: missense variant. On other transcripts: intron variant (3).
Genome position (GRCh38, 1-based): chr12:32,737,869, C>G. VCF-style: chr12-32737869-C-G. GRCh37 (hg19) VCF-style: chr12-32890803-C-G.
Other names: c.1601C>G, p.Ser534Cys (NM_001278463.2); c.1640C>G, p.Ser547Cys (NM_001278464.2, NM_001278465.2); c.992C>G, p.Ser331Cys (NM_001278466.2); c.1635+708C>G (NM_001330380.2); c.1597-395C>G (NM_012063.4); c.1596+708C>G (NM_005690.5); short protein forms S331C, S534C, S547C.
Identifiers: ClinVar variation 3673976 (VCV003673976.2).